The following is an entry in ClinVar:

ClinVar aggregate classification (germline): Uncertain significance. Review status: criteria provided, multiple submitters, no conflicts (2 of 4 stars). 7 submissions from 7 submitters: Uncertain significance (5). 2 of the submissions do not count toward it. Last evaluated 2025-09-26.

Conditions:
Breast-ovarian cancer, familial, susceptibility to, 1 (BROVCA1). Also called: BRCA1 Hereditary Breast and Ovarian Cancer; OVARIAN CANCER, SUSCEPTIBILITY TO. Identifiers: Orphanet 145, MedGen C2676676, MONDO:0011450, OMIM 604370. Disease mechanism: loss of function.
Hereditary cancer-predisposing syndrome. Also called: Hereditary Cancer Syndrome; Neoplastic Syndromes, Hereditary; Hereditary neoplastic syndrome; Tumor predisposition. Identifiers: Orphanet 140162, MedGen C0027672, MeSH D009386, MONDO:0015356.
Hereditary breast ovarian cancer syndrome. Also called: Hereditary breast and/or ovarian cancer syndrome; Hereditary breast and ovarian cancer syndrome; Hereditary breast and ovarian cancer; Hereditary breast and ovarian cancer syndrome (HBOC); Breast and ovarian cancer; BRCA1- and BRCA2-Associated Hereditary Breast and Ovarian Cancer. Identifiers: Orphanet 145, MedGen C0677776, MeSH D061325, MONDO:0003582. Disease mechanism: loss of function.
Gastric cancer. Also called: Malignant tumor of stomach; Stomach cancer. Identifiers: MedGen C0024623, MeSH D013274, MONDO:0001056, OMIM 613659, HP:0012126.

gnomAD v4.1: 1 of 1,612,646 alleles (0.000062%); highest among the groups gnomAD compares: Non-Finnish European, 0.000085%; no homozygotes.

Submissions (7):

Institute of Immunology and Genetics Kaiserslautern
Classification: Uncertain significance for Breast-ovarian cancer, familial, susceptibility to, 1. Last evaluated: 2025-09-26. Review status: criteria provided, single submitter. Criteria: ACMG Guidelines, 2015. Collection method: clinical testing. Allele origin: germline. Affected: yes.
Comment: ACMG Criteria: PM2_P, PP3; Variant was found in heterozygous state.

Ambry Genetics
Classification: Uncertain significance for Hereditary cancer-predisposing syndrome. Last evaluated: 2025-04-10. Review status: criteria provided, single submitter. Criteria: Ambry Variant Classification Scheme 2023. Collection method: clinical testing. Allele origin: germline.
Comment: The c.670+1G>T intronic variant, referred to as IVS10+1G>T in some literature, results from a G to T substitution one nucleotide after coding exon 8 (also known as exon 10 in some literature) of the BRCA1 gene. This alteration is located at the canonical splice donor site which is skipped in one of the natural in-frame minor isoforms (known in the literature as BRCA1 delta 9-10) (Colombo M et al. Hum Mol Genet. 2014; 23:3666-80). This nucleotide position is well conserved in available vertebrate species. In silico splice site analysis predicts that this alteration will weaken the native splice donor site and may result in the creation or strengthening of a novel splice donor site. Alterations that disrupt the canonical splice site are expected to cause aberrant splicing, resulting in an abnormal protein or a transcript that is subject to nonsense-mediated mRNA decay. However, in BRCA1, the pathogenicity of alterations at canonical splice sites of exons that are skipped in the naturally occurring delta 9-10 in-frame minor isoform have yet to be determined, as they may be partially functional (de la Hoya M et al. Hum. Mol. Genet. April 2016). As such, the clinical significance of this alteration remains unclear.

Labcorp Genetics (formerly Invitae), Labcorp
Classification: Uncertain significance for Hereditary breast ovarian cancer syndrome. Last evaluated: 2024-11-22. Review status: criteria provided, single submitter. Criteria: Invitae Variant Classification Sherloc (09022015). Collection method: clinical testing. Allele origin: germline.
Comment: This sequence change affects a donor splice site in intron 9 of the BRCA1 gene. Loss-of-function variants in BRCA1 are expected to be pathogenic (PMID: 20104584). However, an in-frame BRCA1 isoform lacking exons 8 and 9 (also known as exons 9 and 10) is highly expressed in blood from unaffected individuals and in normal breast tissue; this isoform may retain protein function and could functionally rescue loss-of-function variants within exons 8-9 (PMID: 24569164). This variant is not present in population databases (gnomAD no frequency). Disruption of this splice site has been observed in individual(s) with clinical features of BRCA1-related conditions (PMID: 21520333). ClinVar contains an entry for this variant (Variation ID: 91661). Studies have shown that disruption of this splice site is associated with altered splicing resulting in multiple RNA products (internal data). In summary, the available evidence is currently insufficient to determine the role of this variant in disease. Therefore, it has been classified as a Variant of Uncertain Significance.

Color Diagnostics, LLC DBA Color Health
Classification: Uncertain significance for Hereditary cancer-predisposing syndrome. Last evaluated: 2024-07-10. Review status: criteria provided, single submitter. Criteria: ACMG Guidelines, 2015. Collection method: clinical testing. Allele origin: germline.
Comment: This variant causes a G to T nucleotide substitution at the +1 position of intron 9 of the BRCA1 gene. Splice site prediction tools suggest that this variant may have a significant impact on RNA splicing. Although this prediction has not been confirmed in published RNA studies, splice donor variants at positions +1 and +2 are expected to result in an absent or disrupted protein product. However, the naturally-occurring and functional alternative BRCA1 transcript lacking exons 8 and 9 is thought to ameliorate canonical splice site variants in exons 8 and 9 (PMID: 19892845, 27008870). This variant has not been reported in individuals affected with hereditary cancer in the literature. This variant has not been identified in the general population by the Genome Aggregation Database (gnomAD). The available evidence is insufficient to determine the role of this variant in disease conclusively. Therefore, this variant is classified as a Variant of Uncertain Significance.

Quest Diagnostics Nichols Institute San Juan Capistrano
Classification: Uncertain significance. Last evaluated: 2023-10-04. Review status: criteria provided, single submitter. Criteria: Quest Diagnostics criteria. Collection method: clinical testing. Allele origin: unknown.

Laboratory for Genotyping Development, RIKEN
Classification: Pathogenic for Gastric cancer. Last evaluated: 2021-07-01. Review status: no assertion criteria provided. Collection method: research. Allele origin: germline. Not counted in ClinVar's aggregate classification.

Sharing Clinical Reports Project (SCRP)
Classification: Pathogenic for Breast-ovarian cancer, familial 1. Last evaluated: 2009-12-21. Review status: no assertion criteria provided. Collection method: clinical testing. Allele origin: germline. Not counted in ClinVar's aggregate classification.

Literature cited by the submitters: PubMed 32906206 (cited by Ambry Genetics and Quest Diagnostics Nichols Institute San Juan Capistrano); PubMed 20104584 (cited by Labcorp Genetics (formerly Invitae), Labcorp); PubMed 24569164 (cited by Labcorp Genetics (formerly Invitae), Labcorp and Quest Diagnostics Nichols Institute San Juan Capistrano); PubMed 21520333 (cited by Labcorp Genetics (formerly Invitae), Labcorp); PubMed 19892845 (cited by Color Diagnostics, LLC DBA Color Health); PubMed 27008870 (cited by Color Diagnostics, LLC DBA Color Health and Quest Diagnostics Nichols Institute San Juan Capistrano); PubMed 36988593 (cited by Laboratory for Genotyping Development, RIKEN).

NM_007294.4(BRCA1):c.670+1G>T

Gene: BRCA1 (BRCA1 DNA repair associated; minus strand). Cytogenetic location: 17q21.31.
Variant type: single nucleotide variant.
Coding change: c.670+1G>T on transcript NM_007294.4 (MANE Select); the canonical splice donor site of the intron after coding-DNA position 670, G replaced by T.
Molecular consequence: splice donor variant. On other transcripts: intron variant (115).
Genome position (GRCh38, 1-based): chr17:43,095,845, C>A on the plus strand (G>T on the coding strand, the complement: BRCA1 is on the minus strand). VCF-style: chr17-43095845-C-A. GRCh37 (hg19) VCF-style: chr17-41247862-C-A.
Other names: IVS10+1G>T; c.529+1G>T (NM_001408459.1, NM_001407945.1, NM_001407736.1 and 43 more transcripts); c.467-985G>T (NM_001408475.1, NM_001407875.1, NM_001407874.1); c.589+1G>T (NM_001407659.1, NM_001407662.1, NM_001408413.1 and 3 more transcripts); c.592+1G>T (NM_001408412.1, NM_001407656.1, NM_001407657.1 and 9 more transcripts); c.335-985G>T (NM_001408509.1, NM_001408508.1, NM_001407956.1 and 3 more transcripts); c.457+1G>T (NM_001408491.1, NM_001407918.1, NM_001407894.1 and 12 more transcripts); c.338-985G>T (NM_001407957.1, NM_001407953.1, NM_001407949.1 and 7 more transcripts); and 18 more.
Identifiers: ClinVar variation 91661 (VCV000091661.37), dbSNP rs398122706, ClinGen allele CA003793.